The following is an entry in ClinVar:

ClinVar aggregate classification (germline): Uncertain significance (1 of 4 stars; one submission).

Conditions:
Hereditary cancer-predisposing syndrome. Also called: Hereditary Cancer Syndrome; Tumor predisposition; Hereditary neoplastic syndrome; Neoplastic Syndromes, Hereditary. Identifiers: Orphanet 140162, MedGen C0027672, MeSH D009386, MONDO:0015356.
Cardiovascular phenotype. Identifiers: MedGen CN230736.

Submission:

Ambry Genetics
Classification: Uncertain significance for Cardiovascular phenotype; Hereditary cancer-predisposing syndrome. Last evaluated: 2024-10-25. Review status: criteria provided, single submitter. Criteria: Ambry Variant Classification Scheme 2023. Collection method: clinical testing. Allele origin: germline.
Comment: The p.F2135I variant (also known as c.6403T>A), located in coding exon 42 of the NF1 gene, results from a T to A substitution at nucleotide position 6403. The phenylalanine at codon 2135 is replaced by isoleucine, an amino acid with highly similar properties. This amino acid position is conserved. In addition, this alteration is predicted to be deleterious by in silico analysis. Based on the available evidence, the clinical significance of this variant remains unclear.

NM_001042492.3(NF1):c.6466T>A (p.Phe2156Ile)

Gene: NF1 (neurofibromin 1; plus strand). Cytogenetic location: 17q11.2.
Variant type: single nucleotide variant.
Coding change: c.6466T>A on transcript NM_001042492.3 (MANE Select); coding-DNA position 6466, T replaced by A.
Protein change: p.Phe2156Ile; replaces phenylalanine 2156 with isoleucine.
Molecular consequence: missense variant.
Genome position (GRCh38, 1-based): chr17:31,337,406, T>A. VCF-style: chr17-31337406-T-A. GRCh37 (hg19) VCF-style: chr17-29664424-T-A.
Other names: c.6403T>A, p.Phe2135Ile (NM_000267.4); short protein forms F2156I, F2135I.
Identifiers: ClinVar variation 3404865 (VCV003404865.1).